The following is an entry in ClinVar:

NM_004068.4(AP2M1):c.973C>A (p.Pro325Thr)

Gene: AP2M1 (adaptor related protein complex 2 subunit mu 1; plus strand). Cytogenetic location: 3q27.1.
Variant type: single nucleotide variant.
Coding change: c.973C>A on transcript NM_004068.4 (MANE Select); coding-DNA position 973, C replaced by A.
Protein change: p.Pro325Thr; replaces proline 325 with threonine.
Molecular consequence: missense variant.
Genome position (GRCh38, 1-based): chr3:184,182,160, C>A. VCF-style: chr3-184182160-C-A. GRCh37 (hg19) VCF-style: chr3-183899948-C-A.
Other names: c.967C>A, p.Pro323Thr (NM_001025205.2); c.1048C>A, p.Pro350Thr (NM_001311198.2); short protein forms P323T, P325T, P350T.
Identifiers: ClinVar variation 4755810 (VCV004755810.2).

ClinVar aggregate classification (germline): Uncertain significance (1 of 4 stars; one submission).

Submission:

GeneDx
Classification: Uncertain significance. Last evaluated: 2026-09-10. Review status: criteria provided, single submitter. Criteria: GeneDx Variant Classification Process June 2021. Collection method: clinical testing. Allele origin: germline.
Comment: Not observed at significant frequency in large population cohorts (gnomAD); In silico analysis supports that this missense variant has a deleterious effect on protein structure/function; Has not been previously published as pathogenic or benign to our knowledge